The following is an entry in ClinVar:

NM_153485.3(NUP155):c.2406A>G (p.Gln802=)

Gene: NUP155 (nucleoporin 155; minus strand). Cytogenetic location: 5p13.2.
Variant type: single nucleotide variant.
Coding change: c.2406A>G on transcript NM_153485.3 (MANE Select); coding-DNA position 2406, A replaced by G.
Protein change: p.Gln802=; no amino-acid change (glutamine 802 retained).
Molecular consequence: synonymous variant.
Genome position (GRCh38, 1-based): chr5:37,314,228, T>C on the plus strand (A>G on the coding strand, the complement: NUP155 is on the minus strand). VCF-style: chr5-37314228-T-C. GRCh37 (hg19) VCF-style: chr5-37314330-T-C.
Other names: c.2406A>G, p.Gln802= (NM_001278312.2); c.2229A>G, p.Gln743= (NM_004298.4).
Identifiers: ClinVar variation 779883 (VCV000779883.6), dbSNP rs376606914, ClinGen allele CA3239722.

ClinVar aggregate classification (germline): Benign/Likely benign. Review status: criteria provided, multiple submitters, no conflicts (2 of 4 stars). 3 submissions from 3 submitters: Benign (1); Likely benign (1). 1 of the submissions does not count toward it. Last evaluated 2024-06-17.

Conditions:
NUP155-related disorder. Also called: NUP155-related condition.

Allele frequency attached by ClinVar (database versions not stated): gnomAD exomes 0.00006 and 0.00024; gnomAD 0.00007 and 0.00009; TOPMed 0.00013; ExAC 0.00026.
gnomAD v4.1: 167 of 1,609,812 alleles (0.01%); highest among the groups gnomAD compares: East Asian, 0.13%; 2 homozygotes.

Submissions (3):

Blueprint Genetics
Classification: Likely benign. Last evaluated: 2024-06-17. Review status: criteria provided, single submitter. Criteria: ACMG Guidelines, 2015. Collection method: clinical testing. Allele origin: germline.

Labcorp Genetics (formerly Invitae), Labcorp
Classification: Benign. Last evaluated: 2018-06-13. Review status: criteria provided, single submitter. Criteria: Invitae Variant Classification Sherloc (09022015). Collection method: clinical testing. Allele origin: germline.

PreventionGenetics, part of Exact Sciences
Classification: Likely benign for NUP155-related condition. Last evaluated: 2024-06-27. Review status: no assertion criteria provided. Collection method: clinical testing. Allele origin: germline. Not counted in ClinVar's aggregate classification.
Comment: This variant is classified as likely benign based on ACMG/AMP sequence variant interpretation guidelines (Richards et al. 2015 PMID: 25741868, with internal and published modifications).